The following is an entry in ClinVar:

NC_000002.11:g.(?_38893304)_(38893513_?)del

Gene: GALM (galactose mutarotase; plus strand). Cytogenetic location: 2p22.1.
Variant type: Deletion.
Identifiers: ClinVar variation 2427270 (VCV002427270.4).

ClinVar aggregate classification (germline): Pathogenic (1 of 4 stars; one submission).

Submission:

Labcorp Genetics (formerly Invitae), Labcorp
Classification: Pathogenic. Last evaluated: 2022-09-04. Review status: criteria provided, single submitter. Criteria: Invitae Variant Classification Sherloc (09022015). Collection method: clinical testing. Allele origin: germline.
Comment: For these reasons, this variant has been classified as Pathogenic. This variant has not been reported in the literature in individuals affected with GALM-related conditions. This variant is a gross deletion of the genomic region encompassing exon(s) 1 of the GALM gene, which includes the initiator codon. This deletion extends beyond the assayed region for this gene and therefore may encompass additional genes. It is expected to result in an absent or disrupted protein product. Loss-of-function variants in GALM are known to be pathogenic (PMID: 30451973).

Literature cited by the submitters: PubMed 30451973.